The following is an entry in ClinVar:

ClinVar aggregate classification (germline): Likely benign. Review status: criteria provided, multiple submitters, no conflicts (2 of 4 stars). 3 submissions from 3 submitters: Likely benign (3). Last evaluated 2023-09-01.

Conditions:
Kufor-Rakeb syndrome (KRS). Also called: PARKINSON DISEASE 9, AUTOSOMAL RECESSIVE, JUVENILE-ONSET. Identifiers: Orphanet 306674, Orphanet 314632, MedGen C1847640, MONDO:0011706, OMIM 606693.
Autosomal recessive spastic paraplegia type 78. Identifiers: Orphanet 513436, MedGen C5567893, MONDO:0014975, OMIM 617225.

Allele frequency attached by ClinVar (database versions not stated): ExAC 0.00001; gnomAD exomes 0.00001 and 0.00002.
gnomAD v4.1: 11 of 1,613,996 alleles (0.00068%); highest among the groups gnomAD compares: South Asian, 0.012%; no homozygotes.

Submissions (3):

CeGaT Center for Human Genetics Tuebingen
Classification: Likely benign. Last evaluated: 2023-09-01. Review status: criteria provided, single submitter. Criteria: CeGaT Center For Human Genetics Tuebingen Variant Classification Criteria Version 2. Collection method: clinical testing. Allele origin: germline. Affected: yes. Observed: 1 variant allele.
Comment: ATP13A2: BP4, BP7

Blueprint Genetics
Classification: Likely benign. Last evaluated: 2022-09-07. Review status: criteria provided, single submitter. Criteria: ACMG Guidelines, 2015. Collection method: clinical testing. Allele origin: germline.

Labcorp Genetics (formerly Invitae), Labcorp
Classification: Likely benign for Kufor-Rakeb syndrome; Autosomal recessive spastic paraplegia type 78. Last evaluated: 2021-10-14. Review status: criteria provided, single submitter. Criteria: Invitae Variant Classification Sherloc (09022015). Collection method: clinical testing. Allele origin: germline.

NM_022089.4(ATP13A2):c.2340C>T (p.His780=)

Gene: ATP13A2 (ATPase cation transporting 13A2; minus strand). Cytogenetic location: 1p36.13.
Variant type: single nucleotide variant.
Coding change: c.2340C>T on transcript NM_022089.4 (MANE Select); coding-DNA position 2340, C replaced by T.
Protein change: p.His780=; no amino-acid change (histidine 780 retained).
Molecular consequence: synonymous variant.
Genome position (GRCh38, 1-based): chr1:16,990,199, G>A on the plus strand (C>T on the coding strand, the complement: ATP13A2 is on the minus strand). VCF-style: chr1-16990199-G-A. GRCh37 (hg19) VCF-style: chr1-17316694-G-A.
Other names: c.2325C>T, p.His775= (NM_001141973.3, NM_001141974.3).
Identifiers: ClinVar variation 1652400 (VCV001652400.33), dbSNP rs769392537, ClinGen allele CA636873.